The following is an entry in ClinVar:

NM_001371986.1(UNC80):c.2267A>T (p.Asp756Val)

Gene: UNC80 (unc-80 homolog, NALCN channel complex subunit; plus strand). Cytogenetic location: 2q34.
Variant type: single nucleotide variant.
Coding change: c.2267A>T on transcript NM_001371986.1 (MANE Select); coding-DNA position 2267, A replaced by T.
Protein change: p.Asp756Val; replaces aspartic acid 756 with valine.
Molecular consequence: missense variant.
Genome position (GRCh38, 1-based): chr2:209,820,615, A>T. VCF-style: chr2-209820615-A-T. GRCh37 (hg19) VCF-style: chr2-210685339-A-T.
Other names: c.2267A>T, p.Asp756Val (NM_032504.2, NM_182587.4); short protein forms D756V.
Identifiers: ClinVar variation 1438910 (VCV001438910.4), dbSNP rs371038819, ClinGen allele CA2083005.

ClinVar aggregate classification (germline): Uncertain significance (1 of 4 stars; one submission).

Allele frequency attached by ClinVar (database versions not stated): gnomAD exomes 0.00003; gnomAD 0.00004; ESP Exome Variant Server 0.00022; ExAC 0.00014.
gnomAD v4.1: 54 of 1,546,648 alleles (0.0035%); highest among the groups gnomAD compares: Non-Finnish European, 0.0041%; no homozygotes.

Submission:

Labcorp Genetics (formerly Invitae), Labcorp
Classification: Uncertain significance. Last evaluated: 2024-11-11. Review status: criteria provided, single submitter. Criteria: Invitae Variant Classification Sherloc (09022015). Collection method: clinical testing. Allele origin: germline.
Comment: This sequence change replaces aspartic acid, which is acidic and polar, with valine, which is neutral and non-polar, at codon 756 of the UNC80 protein (p.Asp756Val). The frequency data for this variant in the population databases is considered unreliable, as metrics indicate poor data quality at this position in the gnomAD database. This variant has not been reported in the literature in individuals affected with UNC80-related conditions. ClinVar contains an entry for this variant (Variation ID: 1438910). An algorithm developed to predict the effect of missense changes on protein structure and function (PolyPhen-2) suggests that this variant¬†is likely to be tolerated. In summary, the available evidence is currently insufficient to determine the role of this variant in disease. Therefore, it has been classified as a Variant of Uncertain Significance.